The following is an entry in ClinVar:

NM_032242.4(PLXNA1):c.3542C>T (p.Pro1181Leu)

Gene: PLXNA1 (plexin A1; plus strand). Cytogenetic location: 3q21.3.
Variant type: single nucleotide variant.
Coding change: c.3542C>T on transcript NM_032242.4 (MANE Select); coding-DNA position 3542, C replaced by T.
Protein change: p.Pro1181Leu; replaces proline 1181 with leucine.
Molecular consequence: missense variant.
Genome position (GRCh38, 1-based): chr3:127,017,774, C>T. VCF-style: chr3-127017774-C-T. GRCh37 (hg19) VCF-style: chr3-126736617-C-T.
Other names: short protein forms P1181L.
Identifiers: ClinVar variation 4997606 (VCV004997606.1).

ClinVar aggregate classification (germline): Uncertain significance (1 of 4 stars; one submission).

Conditions:
PLXNA1-related disorder. Also called: PLXNA1-related condition.

Submission:

PreventionGenetics, part of Exact Sciences
Classification: Uncertain significance for PLXNA1-related condition. Last evaluated: 2025-06-15. Review status: criteria provided, single submitter. Criteria: ACMG Guidelines, 2015. Collection method: clinical testing. Allele origin: germline.
Comment: The PLXNA1 c.3542C>T variant is predicted to result in the amino acid substitution p.Pro1181Leu. To our knowledge, this variant has not been reported in the literature or in a large population database (gnomAD), indicating this variant is rare. At this time, the clinical significance of this variant is uncertain due to the absence of conclusive functional and genetic evidence.